The following is an entry in ClinVar:

NM_001286577.2(C2CD3):c.4720A>G (p.Met1574Val)

Gene: C2CD3 (C2 domain containing 3 centriole elongation regulator; minus strand). Cytogenetic location: 11q13.4.
Variant type: single nucleotide variant.
Coding change: c.4720A>G on transcript NM_001286577.2 (MANE Select); coding-DNA position 4720, A replaced by G.
Protein change: p.Met1574Val; replaces methionine 1574 with valine.
Molecular consequence: missense variant.
Genome position (GRCh38, 1-based): chr11:74,074,484, T>C on the plus strand (A>G on the coding strand, the complement: C2CD3 is on the minus strand). VCF-style: chr11-74074484-T-C. GRCh37 (hg19) VCF-style: chr11-73785529-T-C.
Other names: c.4720A>G, p.Met1574Val (NM_015531.6); c.4720A>G (NM_015531.4); short protein forms M1574V.
Identifiers: ClinVar variation 2082475 (VCV002082475.5), dbSNP rs749292854, ClinGen allele CA6182078.

ClinVar aggregate classification (germline): Conflicting classifications of pathogenicity. Review status: criteria provided, conflicting classifications (1 of 4 stars). 3 submissions from 3 submitters: Uncertain significance (2); Likely benign (1). Last evaluated 2024-10-25.

Conditions:
Inborn genetic diseases. Identifiers: MedGen C0950123, MeSH D030342.

Allele frequency attached by ClinVar (database versions not stated): ExAC 0.00002; TOPMed 0.00002.

Submissions (3):

Blueprint Genetics
Classification: Likely benign. Last evaluated: 2024-10-25. Review status: criteria provided, single submitter. Criteria: ACMG Guidelines, 2015. Collection method: clinical testing. Allele origin: germline.

Ambry Genetics
Classification: Uncertain significance for Inborn genetic diseases. Last evaluated: 2024-02-27. Review status: criteria provided, single submitter. Criteria: Ambry Variant Classification Scheme 2023. Collection method: clinical testing. Allele origin: germline.

Labcorp Genetics (formerly Invitae), Labcorp
Classification: Uncertain significance. Last evaluated: 2024-02-17. Review status: criteria provided, single submitter. Criteria: Invitae Variant Classification Sherloc (09022015). Collection method: clinical testing. Allele origin: germline.
Comment: This sequence change replaces methionine, which is neutral and non-polar, with valine, which is neutral and non-polar, at codon 1574 of the C2CD3 protein (p.Met1574Val). This variant is present in population databases (rs749292854, gnomAD 0.003%). This variant has not been reported in the literature in individuals affected with C2CD3-related conditions. ClinVar contains an entry for this variant (Variation ID: 2082475). Advanced modeling of protein sequence and biophysical properties (such as structural, functional, and spatial information, amino acid conservation, physicochemical variation, residue mobility, and thermodynamic stability) performed at Invitae indicates that this missense variant is not expected to disrupt C2CD3 protein function with a negative predictive value of 80%. In summary, the available evidence is currently insufficient to determine the role of this variant in disease. Therefore, it has been classified as a Variant of Uncertain Significance.